The following is an entry in ClinVar:

ClinVar aggregate classification (germline): Conflicting classifications of pathogenicity. Review status: criteria provided, conflicting classifications (1 of 4 stars). 3 submissions from 3 submitters: Uncertain significance (1); Likely benign (2). Last evaluated 2025-05-05.

Conditions:
Fraser syndrome 1 (FRASRS1). Also called: CRYPTOPHTHALMOS WITH OTHER MALFORMATIONS. Identifiers: Orphanet 2052, MedGen C4551480, MONDO:0054737, OMIM 219000.
FRAS1-related disorder. Also called: FRAS1-related condition.

Allele frequency attached by ClinVar (database versions not stated): ExAC 0.00004; gnomAD exomes 0.00005 and 0.00010; TOPMed 0.00005.
gnomAD v4.1: 147 of 1,613,748 alleles (0.0091%); highest among the groups gnomAD compares: Non-Finnish European, 0.011%; no homozygotes.

Submissions (3):

PreventionGenetics, part of Exact Sciences
Classification: Likely benign for FRAS1-related condition. Last evaluated: 2025-05-05. Review status: criteria provided, single submitter. Criteria: ACMG Guidelines, 2015. Collection method: clinical testing. Allele origin: germline.
Comment: This variant is classified as likely benign based on ACMG/AMP sequence variant interpretation guidelines (Richards et al. 2015 PMID: 25741868, with internal and published modifications).

Labcorp Genetics (formerly Invitae), Labcorp
Classification: Likely benign. Last evaluated: 2025-01-07. Review status: criteria provided, single submitter. Criteria: Invitae Variant Classification Sherloc (09022015). Collection method: clinical testing. Allele origin: germline.

Illumina Laboratory Services, Illumina
Classification: Uncertain significance for Fraser syndrome 1. Last evaluated: 2018-01-13. Review status: criteria provided, single submitter. Criteria: ICSL Variant Classification Criteria 13 December 2019. Collection method: clinical testing. Allele origin: germline.

NM_025074.7(FRAS1):c.885C>T (p.Asp295=)

Gene: FRAS1 (Fraser extracellular matrix complex subunit 1; plus strand). Cytogenetic location: 4q21.21.
Variant type: single nucleotide variant.
Coding change: c.885C>T on transcript NM_025074.7 (MANE Select); coding-DNA position 885, C replaced by T.
Protein change: p.Asp295=; no amino-acid change (aspartic acid 295 retained).
Molecular consequence: synonymous variant.
Genome position (GRCh38, 1-based): chr4:78,267,336, C>T. VCF-style: chr4-78267336-C-T. GRCh37 (hg19) VCF-style: chr4-79188490-C-T.
Other names: c.885C>T, p.Asp295= (NM_001166133.2).
Identifiers: ClinVar variation 903750 (VCV000903750.8), dbSNP rs562224966, ClinGen allele CA2976108.